The following is an entry in ClinVar:

ClinVar aggregate classification (germline): Likely pathogenic (1 of 4 stars; one submission).

Conditions:
Intellectual disability. Also called: Intellectual functioning disability; intellectual disabilities; Intellectual developmental disorder. Identifiers: MedGen C3714756, MeSH D008607, MONDO:0001071, HP:0001249.

Submission:

Labcorp Genetics (formerly Invitae), Labcorp
Classification: Likely pathogenic for Intellectual disability. Last evaluated: 2023-02-20. Review status: criteria provided, single submitter. Criteria: Invitae Variant Classification Sherloc (09022015). Collection method: clinical testing. Allele origin: germline.
Comment: Advanced modeling of protein sequence and biophysical properties (such as structural, functional, and spatial information, amino acid conservation, physicochemical variation, residue mobility, and thermodynamic stability) has been performed at Invitae for this missense variant, however the output from this modeling did not meet the statistical confidence thresholds required to predict the impact of this variant on GABRB2 protein function. In summary, the currently available evidence indicates that the variant is pathogenic, but additional data are needed to prove that conclusively. Therefore, this variant has been classified as Likely Pathogenic. This missense change has been observed in individual(s) with clinical features of GABRB2-related conditions (Invitae). In at least one individual the variant was observed to be de novo. This variant is not present in population databases (gnomAD no frequency). This sequence change replaces leucine, which is neutral and non-polar, with phenylalanine, which is neutral and non-polar, at codon 259 of the GABRB2 protein (p.Leu259Phe).

NM_001371727.1(GABRB2):c.775C>T (p.Leu259Phe)

Gene: GABRB2 (gamma-aminobutyric acid type A receptor subunit beta2; minus strand). Cytogenetic location: 5q34.
Variant type: single nucleotide variant.
Coding change: c.775C>T on transcript NM_001371727.1 (MANE Select); coding-DNA position 775, C replaced by T.
Protein change: p.Leu259Phe; replaces leucine 259 with phenylalanine.
Molecular consequence: missense variant.
Genome position (GRCh38, 1-based): chr5:161,334,809, G>A on the plus strand (C>T on the coding strand, the complement: GABRB2 is on the minus strand). VCF-style: chr5-161334809-G-A. GRCh37 (hg19) VCF-style: chr5-160761816-G-A.
Other names: c.775C>T, p.Leu259Phe (NM_021911.3, NM_000813.3); short protein forms L259F.
Identifiers: ClinVar variation 2830005 (VCV002830005.3), dbSNP rs2546558218, ClinGen allele CA362171594.